The following is an entry in ClinVar:

NM_004655.4(AXIN2):c.2191C>A (p.Gln731Lys)

Gene: AXIN2 (axin 2; minus strand). Cytogenetic location: 17q24.1.
Variant type: single nucleotide variant.
Coding change: c.2191C>A on transcript NM_004655.4 (MANE Select); coding-DNA position 2191, C replaced by A.
Protein change: p.Gln731Lys; replaces glutamine 731 with lysine.
Molecular consequence: missense variant.
Genome position (GRCh38, 1-based): chr17:65,535,672, G>T on the plus strand (C>A on the coding strand, the complement: AXIN2 is on the minus strand). VCF-style: chr17-65535672-G-T. GRCh37 (hg19) VCF-style: chr17-63531790-G-T.
Other names: c.1996C>A, p.Gln666Lys (NM_001363813.1); short protein forms Q731K, Q666K.
Identifiers: ClinVar variation 2566107 (VCV002566107.2), dbSNP rs2043899828, ClinGen allele CA400675785.

ClinVar aggregate classification (germline): Uncertain significance (1 of 4 stars; one submission).

Conditions:
Hereditary cancer-predisposing syndrome. Also called: Neoplastic Syndromes, Hereditary; Hereditary Cancer Syndrome; Hereditary neoplastic syndrome; Tumor predisposition. Identifiers: Orphanet 140162, MedGen C0027672, MeSH D009386, MONDO:0015356.

Submission:

Ambry Genetics
Classification: Uncertain significance for Hereditary cancer-predisposing syndrome. Last evaluated: 2023-03-23. Review status: criteria provided, single submitter. Criteria: Ambry Variant Classification Scheme 2023. Collection method: clinical testing. Allele origin: germline.
Comment: The p.Q731K variant (also known as c.2191C>A), located in coding exon 8 of the AXIN2 gene, results from a C to A substitution at nucleotide position 2191. The glutamine at codon 731 is replaced by lysine, an amino acid with similar properties. This amino acid position is conserved. In addition, this alteration is predicted to be tolerated by in silico analysis. Since supporting evidence is limited at this time, the clinical significance of this alteration remains unclear.